The following is an entry in ClinVar:

ClinVar aggregate classification (germline): Benign. Review status: criteria provided, multiple submitters, no conflicts (2 of 4 stars). 2 submissions from 2 submitters: Benign (2). Last evaluated 2018-06-14.

Allele frequency attached by ClinVar (database versions not stated): 1000 Genomes Project 0.34605; 1000 Genomes Project 30x 0.35306; gnomAD 0.37250 and 0.37410; TOPMed 0.37976; gnomAD exomes 0.38860.

Submissions (2):

GeneDx
Classification: Benign. Last evaluated: 2018-06-14. Review status: criteria provided, single submitter. Criteria: GeneDx Variant Classification (06012015). Collection method: clinical testing. Allele origin: germline. Affected: yes.
Comment: This variant is considered likely benign or benign based on one or more of the following criteria: it is a conservative change, it occurs at a poorly conserved position in the protein, it is predicted to be benign by multiple in silico algorithms, and/or has population frequency not consistent with disease.

Breakthrough Genomics
Classification: Benign. Review status: criteria provided, single submitter. Criteria: ACMG Guidelines, 2015. Collection method: not provided. Allele origin: germline. Inheritance: Autosomal recessive inheritance. Affected: yes.

NM_019892.6(INPP5E):c.937-136C>A

Gene: INPP5E (inositol polyphosphate-5-phosphatase E; minus strand). Cytogenetic location: 9q34.3.
Variant type: single nucleotide variant.
Coding change: c.937-136C>A on transcript NM_019892.6 (MANE Select); 136 bases into the intron before coding-DNA position 937, C replaced by A.
Molecular consequence: intron variant.
Genome position (GRCh38, 1-based): chr9:136,434,270, G>T on the plus strand (C>A on the coding strand, the complement: INPP5E is on the minus strand). VCF-style: chr9-136434270-G-T. GRCh37 (hg19) VCF-style: chr9-139328722-G-T.
Other names: c.937-136C>A (NM_001318502.2).
Identifiers: ClinVar variation 681966 (VCV000681966.2), dbSNP rs7851507, ClinGen allele CA12976325.